The following is an entry in ClinVar:

ClinVar aggregate classification (germline): Conflicting classifications of pathogenicity. Review status: criteria provided, conflicting classifications (1 of 4 stars). 5 submissions from 5 submitters: Uncertain significance (1); Benign (1); Likely benign (2). 1 of the submissions does not count toward it. Last evaluated 2026-01-28.

Conditions:
SLC34A3-related disorder. Also called: SLC34A3-related condition.

Allele frequency attached by ClinVar (database versions not stated): 1000 Genomes Project 0.00100; ESP Exome Variant Server 0.00108; gnomAD 0.00108; 1000 Genomes Project 30x 0.00109; TOPMed 0.00125.
gnomAD v4.1: 337 of 1,612,598 alleles (0.021%); highest among the groups gnomAD compares: African/African-American, 0.38%; 1 homozygote.

Submissions (5):

Labcorp Genetics (formerly Invitae), Labcorp
Classification: Benign. Last evaluated: 2026-01-28. Review status: criteria provided, single submitter. Criteria: Invitae Variant Classification Sherloc (09022015). Collection method: clinical testing. Allele origin: germline.

Women's Health and Genetics/Laboratory Corporation of America, LabCorp
Classification: Likely benign. Last evaluated: 2025-07-31. Review status: criteria provided, single submitter. Criteria: LabCorp Variant Classification Summary - May 2015. Collection method: clinical testing. Allele origin: germline.

Blueprint Genetics
Classification: Likely benign. Last evaluated: 2024-08-06. Review status: criteria provided, single submitter. Criteria: ACMG Guidelines, 2015. Collection method: clinical testing. Allele origin: germline.

Eurofins Ntd Llc (ga)
Classification: Uncertain significance. Last evaluated: 2015-01-17. Review status: criteria provided, single submitter. Criteria: EGL Classification Definitions 2015. Collection method: clinical testing. Allele origin: germline. Observed: 1 variant allele, 1 heterozygote.

PreventionGenetics, part of Exact Sciences
Classification: Likely benign for SLC34A3-related condition. Last evaluated: 2021-12-28. Review status: no assertion criteria provided. Collection method: clinical testing. Allele origin: germline. Not counted in ClinVar's aggregate classification.
Comment: This variant is classified as likely benign based on ACMG/AMP sequence variant interpretation guidelines (Richards et al. 2015 PMID: 25741868, with internal and published modifications).

NM_001177316.2(SLC34A3):c.375C>T (p.Gly125=)

Gene: SLC34A3 (solute carrier family 34 member 3; plus strand). Cytogenetic location: 9q34.3.
Variant type: single nucleotide variant.
Coding change: c.375C>T on transcript NM_001177316.2 (MANE Select); coding-DNA position 375, C replaced by T.
Protein change: p.Gly125=; no amino-acid change (glycine 125 retained).
Molecular consequence: synonymous variant.
Genome position (GRCh38, 1-based): chr9:137,232,854, C>T. VCF-style: chr9-137232854-C-T. GRCh37 (hg19) VCF-style: chr9-140127306-C-T.
Other names: c.375C>T, p.Gly125= (NM_001177317.2, NM_080877.3); c.375C>T (NM_080877.2).
Identifiers: ClinVar variation 197866 (VCV000197866.18), dbSNP rs142873841, ClinGen allele CA246248.